The following is an entry in ClinVar:

ClinVar aggregate classification (germline): Uncertain significance (1 of 4 stars; one submission).

Conditions:
Rhabdoid tumor predisposition syndrome 2 (RTPS2). Identifiers: Orphanet 231108, Orphanet 69077, MedGen C2750074, MONDO:0013224, OMIM 613325.

Allele frequency attached by ClinVar (database versions not stated): gnomAD exomes below 0.00001.
gnomAD v4.1: 1 of 1,613,760 alleles (0.000062%); highest among the groups gnomAD compares: Non-Finnish European, 0.000085%; no homozygotes.

Submission:

Labcorp Genetics (formerly Invitae), Labcorp
Classification: Uncertain significance for Rhabdoid tumor predisposition syndrome 2. Last evaluated: 2023-05-27. Review status: criteria provided, single submitter. Criteria: Invitae Variant Classification Sherloc (09022015). Collection method: clinical testing. Allele origin: germline.
Comment: Advanced modeling of protein sequence and biophysical properties (such as structural, functional, and spatial information, amino acid conservation, physicochemical variation, residue mobility, and thermodynamic stability) has been performed at Invitae for this missense variant, however the output from this modeling did not meet the statistical confidence thresholds required to predict the impact of this variant on SMARCA4 protein function. In summary, the available evidence is currently insufficient to determine the role of this variant in disease. Therefore, it has been classified as a Variant of Uncertain Significance. This variant has not been reported in the literature in individuals affected with SMARCA4-related conditions. This sequence change replaces proline, which is neutral and non-polar, with serine, which is neutral and polar, at codon 904 of the SMARCA4 protein (p.Pro904Ser). This variant is not present in population databases (gnomAD no frequency).

NM_003072.5(SMARCA4):c.2710C>T (p.Pro904Ser)

Gene: SMARCA4 (SWI/SNF related BAF chromatin remodeling complex subunit ATPase 4; plus strand). Cytogenetic location: 19p13.2.
Variant type: single nucleotide variant.
Coding change: c.2710C>T on transcript NM_003072.5 (MANE Select); coding-DNA position 2710, C replaced by T.
Protein change: p.Pro904Ser; replaces proline 904 with serine.
Molecular consequence: missense variant. On other transcripts: non-coding transcript variant (1).
Genome position (GRCh38, 1-based): chr19:11,021,818, C>T. VCF-style: chr19-11021818-C-T. GRCh37 (hg19) VCF-style: chr19-11132494-C-T.
Other names: c.2710C>T, p.Pro904Ser (NM_001128844.3, NM_001128845.2, NM_001128846.2 and 6 more transcripts); short protein forms P904S.
Identifiers: ClinVar variation 2861494 (VCV002861494.3), dbSNP rs2146418383, ClinGen allele CA404056136.